The following is an entry in ClinVar:

NM_001103.4(ACTN2):c.538T>C (p.Trp180Arg)

Gene: ACTN2 (actinin alpha 2; plus strand). Cytogenetic location: 1q43.
Variant type: single nucleotide variant.
Coding change: c.538T>C on transcript NM_001103.4 (MANE Select); coding-DNA position 538, T replaced by C.
Protein change: p.Trp180Arg; replaces tryptophan 180 with arginine.
Molecular consequence: missense variant. On other transcripts: 5 prime UTR variant (1).
Genome position (GRCh38, 1-based): chr1:236,727,679, T>C. VCF-style: chr1-236727679-T-C. GRCh37 (hg19) VCF-style: chr1-236890979-T-C.
Other names: c.538T>C, p.Trp180Arg (NM_001278343.2); c.-284T>C (NM_001278344.2); short protein forms W180R.
Identifiers: ClinVar variation 565746 (VCV000565746.9), dbSNP rs1558236027, ClinGen allele CA345375329.

ClinVar aggregate classification (germline): Uncertain significance (1 of 4 stars; one submission).

Conditions:
Primary familial hypertrophic cardiomyopathy (HCM). Identifiers: Orphanet 99739, MedGen C0949658, MeSH D024741, MONDO:0024573. Inheritance: Various modes of inheritance.
Dilated cardiomyopathy 1AA (CMD1AA). Also called: CARDIOMYOPATHY, DILATED, 1AA, WITH OR WITHOUT LEFT VENTRICULAR NONCOMPACTION; CARDIOMYOPATHY, FAMILIAL HYPERTROPHIC, 23, WITH OR WITHOUT LEFT VENTRICULAR NONCOMPACTION; Cardiomyopathy, dilated, 1AA, with or without LVNC. Identifiers: Orphanet 154, MedGen C2677338, MONDO:0012808, OMIM 612158.

Submission:

Labcorp Genetics (formerly Invitae), Labcorp
Classification: Uncertain significance for Primary familial hypertrophic cardiomyopathy; Dilated cardiomyopathy 1AA. Last evaluated: 2022-05-09. Review status: criteria provided, single submitter. Criteria: Invitae Variant Classification Sherloc (09022015). Collection method: clinical testing. Allele origin: germline.
Comment: This variant has not been reported in the literature in individuals affected with ACTN2-related conditions. In summary, the available evidence is currently insufficient to determine the role of this variant in disease. Therefore, it has been classified as a Variant of Uncertain Significance. Algorithms developed to predict the effect of missense changes on protein structure and function (SIFT, PolyPhen-2, Align-GVGD) all suggest that this variant is likely to be disruptive. ClinVar contains an entry for this variant (Variation ID: 565746). This variant is not present in population databases (gnomAD no frequency). This sequence change replaces tryptophan, which is neutral and slightly polar, with arginine, which is basic and polar, at codon 180 of the ACTN2 protein (p.Trp180Arg).